The following is an entry in ClinVar:

NM_003482.4(KMT2D):c.4761C>T (p.Phe1587=)

Gene: KMT2D (lysine methyltransferase 2D; minus strand). Cytogenetic location: 12q13.12.
Variant type: single nucleotide variant.
Coding change: c.4761C>T on transcript NM_003482.4 (MANE Select); coding-DNA position 4761, C replaced by T.
Protein change: p.Phe1587=; no amino-acid change (phenylalanine 1587 retained).
Molecular consequence: synonymous variant.
Genome position (GRCh38, 1-based): chr12:49,044,946, G>A on the plus strand (C>T on the coding strand, the complement: KMT2D is on the minus strand). VCF-style: chr12-49044946-G-A. GRCh37 (hg19) VCF-style: chr12-49438729-G-A.
Other names: c.4761C>T (NM_003482.3).
Identifiers: ClinVar variation 1086072 (VCV001086072.34), dbSNP rs370775912, ClinGen allele CA6547714.
Genomic context (GRCh38, chr12:49,044,946, plus strand): 5'-TGGTGACATGGTCAGGTTACGCAGCAAGGCCATGCCAGTTTCTGTCAGCCACACACCTTC[G>A]AAGCGAAAGTACTGGGGCTCTGCATAAGAGGAAAGAGTATGTGATCCCTGGATGGAAGCC-3'
Protein context (NP_003473.3, residues 1577-1597): VKEPEPQYFR[Phe1587=]EGVWLTETGM

ClinVar aggregate classification (germline): Likely benign. Review status: criteria provided, multiple submitters, no conflicts (2 of 4 stars). 4 submissions from 4 submitters: Likely benign (3). 1 of the submissions does not count toward it. Last evaluated 2025-12-16.

Conditions:
Kabuki syndrome. Also called: Kabuki make-up syndrome; NIIKAWA-KUROKI SYNDROME. Identifiers: Orphanet 2322, MedGen C0796004, MONDO:0016512.
KMT2D-related disorder. Also called: KMT2D-Related Disorders.

Allele frequency attached by ClinVar (database versions not stated): ExAC 0.00001; gnomAD exomes 0.00001 and 0.00002; TOPMed 0.00002.
gnomAD v4.1: 15 of 1,613,866 alleles (0.00093%); highest among the groups gnomAD compares: East Asian, 0.0022%; no homozygotes.

Submissions (4):

Labcorp Genetics (formerly Invitae), Labcorp
Classification: Likely benign for Kabuki syndrome. Last evaluated: 2025-12-16. Review status: criteria provided, single submitter. Criteria: Invitae Variant Classification Sherloc (09022015). Collection method: clinical testing. Allele origin: germline.

Blueprint Genetics
Classification: Likely benign. Last evaluated: 2024-01-04. Review status: criteria provided, single submitter. Criteria: ACMG Guidelines, 2015. Collection method: clinical testing. Allele origin: germline.

CeGaT Center for Human Genetics Tuebingen
Classification: Likely benign. Last evaluated: 2023-10-01. Review status: criteria provided, single submitter. Criteria: CeGaT Center For Human Genetics Tuebingen Variant Classification Criteria Version 2. Collection method: clinical testing. Allele origin: germline. Affected: yes. Observed: 1 variant allele.
Comment: KMT2D: BP4, BP7

PreventionGenetics, part of Exact Sciences
Classification: Likely benign for KMT2D-related condition. Last evaluated: 2022-01-27. Review status: no assertion criteria provided. Collection method: clinical testing. Allele origin: germline. Not counted in ClinVar's aggregate classification.
Comment: This variant is classified as likely benign based on ACMG/AMP sequence variant interpretation guidelines (Richards et al. 2015 PMID: 25741868, with internal and published modifications).